The following is an entry in ClinVar:

NM_032409.3(PINK1):c.398C>T (p.Thr133Ile)

Gene: PINK1 (PTEN induced kinase 1; plus strand). Cytogenetic location: 1p36.12.
Variant type: single nucleotide variant.
Coding change: c.398C>T on transcript NM_032409.3 (MANE Select); coding-DNA position 398, C replaced by T.
Protein change: p.Thr133Ile; replaces threonine 133 with isoleucine.
Molecular consequence: missense variant.
Genome position (GRCh38, 1-based): chr1:20,637,852, C>T. VCF-style: chr1-20637852-C-T. GRCh37 (hg19) VCF-style: chr1-20964345-C-T.
Other names: c.398C>T (NM_032409.2); short protein forms T133I.
Identifiers: ClinVar variation 2161607 (VCV002161607.5), dbSNP rs374891130, ClinGen allele CA660416.

ClinVar aggregate classification (germline): Uncertain significance. Review status: criteria provided, multiple submitters, no conflicts (2 of 4 stars). 2 submissions from 2 submitters: Uncertain significance (2). Last evaluated 2025-02-07.

Conditions:
Inborn genetic diseases. Identifiers: MedGen C0950123, MeSH D030342.
Autosomal recessive early-onset Parkinson disease 6 (PARK6). Also called: PINK1-Related Parkinson Disease; PARKINSON DISEASE 6, MODIFIER OF; PINK1 Type of Young-Onset Parkinson Disease; PARKINSON DISEASE 6, EARLY-ONSET. Identifiers: Orphanet 2828, MedGen C1853833, MONDO:0011613, OMIM 605909.

Allele frequency attached by ClinVar (database versions not stated): ExAC 0.00002; gnomAD 0.00007; TOPMed 0.00007; ESP Exome Variant Server 0.00008.
gnomAD v4.1: 15 of 1,613,962 alleles (0.00093%); highest among the groups gnomAD compares: African/African-American, 0.019%; no homozygotes.

Submissions (2):

Ambry Genetics
Classification: Uncertain significance for Inborn genetic diseases. Last evaluated: 2025-02-07. Review status: criteria provided, single submitter. Criteria: Ambry Variant Classification Scheme 2023. Collection method: clinical testing. Allele origin: germline.

Labcorp Genetics (formerly Invitae), Labcorp
Classification: Uncertain significance for Autosomal recessive early-onset Parkinson disease 6. Last evaluated: 2022-07-16. Review status: criteria provided, single submitter. Criteria: Invitae Variant Classification Sherloc (09022015). Collection method: clinical testing. Allele origin: germline.
Comment: In summary, the available evidence is currently insufficient to determine the role of this variant in disease. Therefore, it has been classified as a Variant of Uncertain Significance. Algorithms developed to predict the effect of missense changes on protein structure and function (SIFT, PolyPhen-2, Align-GVGD) all suggest that this variant is likely to be tolerated. This variant has not been reported in the literature in individuals affected with PINK1-related conditions. This variant is present in population databases (rs374891130, gnomAD 0.007%). This sequence change replaces threonine, which is neutral and polar, with isoleucine, which is neutral and non-polar, at codon 133 of the PINK1 protein (p.Thr133Ile).